The following is an entry in ClinVar:

ClinVar aggregate classification (germline): Likely pathogenic. Review status: criteria provided, multiple submitters, no conflicts (2 of 4 stars). 2 submissions from 2 submitters: Likely pathogenic (2). Last evaluated 2024-06-11.

Conditions:
Nephronophthisis 16 (NPHP16). Identifiers: Orphanet 655, MedGen C3809320, MONDO:0014158, OMIM 615382.
ANKS6-related disorder. Also called: ANKS6-related condition.

gnomAD v4.1: 8 of 1,598,768 alleles (0.0005%); highest among the groups gnomAD compares: African/African-American, 0.0013%; no homozygotes.

Submissions (2):

Blueprint Genetics
Classification: Likely pathogenic for ANKS6-related disorders. Last evaluated: 2024-06-11. Review status: criteria provided, single submitter. Criteria: ACMG Guidelines, 2015. Collection method: clinical testing. Allele origin: germline. Affected: yes. Observed: 3 variant alleles.

Juno Genomics, Hangzhou Juno Genomics, Inc
Classification: Likely pathogenic for Nephronophthisis 16. Review status: criteria provided, single submitter. Criteria: ACMG Guidelines, 2015. Collection method: clinical testing. Allele origin: germline.
Comment: Null variant in a gene where loss of function (LOF) is a known mechanism of disease.;Absent from controls (or at extremely low frequency if recessive) in Genome Aggregation Database.

NM_173551.5(ANKS6):c.1234C>T (p.Arg412Ter)

Gene: ANKS6 (ankyrin repeat and sterile alpha motif domain containing 6; minus strand). Cytogenetic location: 9q22.33.
Variant type: single nucleotide variant.
Coding change: c.1234C>T on transcript NM_173551.5 (MANE Select); coding-DNA position 1234, C replaced by T.
Protein change: p.Arg412Ter; replaces arginine 412 with a stop codon.
Molecular consequence: nonsense.
Genome position (GRCh38, 1-based): chr9:98,780,323, G>A on the plus strand (C>T on the coding strand, the complement: ANKS6 is on the minus strand). VCF-style: chr9-98780323-G-A. GRCh37 (hg19) VCF-style: chr9-101542605-G-A.
Other names: short protein forms R412*.
Identifiers: ClinVar variation 4903872 (VCV004903872.3).